The following is an entry in ClinVar:

NM_004260.4(RECQL4):c.1319T>G (p.Val440Gly)

Gene: RECQL4 (RecQ like helicase 4; minus strand). Cytogenetic location: 8q24.3.
Variant type: single nucleotide variant.
Coding change: c.1319T>G on transcript NM_004260.4 (MANE Select); coding-DNA position 1319, T replaced by G.
Protein change: p.Val440Gly; replaces valine 440 with glycine.
Molecular consequence: missense variant.
Genome position (GRCh38, 1-based): chr8:144,515,397, A>C on the plus strand (T>G on the coding strand, the complement: RECQL4 is on the minus strand). VCF-style: chr8-144515397-A-C. GRCh37 (hg19) VCF-style: chr8-145740781-A-C.
Other names: short protein forms V440G.
Identifiers: ClinVar variation 1025453 (VCV001025453.3), dbSNP rs1828012949, ClinGen allele CA372685693.

ClinVar aggregate classification (germline): Uncertain significance (1 of 4 stars; one submission).

Conditions:
Baller-Gerold syndrome (BGS). Also called: CRANIOSYNOSTOSIS WITH RADIAL DEFECTS. Identifiers: Orphanet 1225, MedGen C0265308, MONDO:0009039, OMIM 218600.

Submission:

Labcorp Genetics (formerly Invitae), Labcorp
Classification: Uncertain significance for Baller-Gerold syndrome. Last evaluated: 2020-07-27. Review status: criteria provided, single submitter. Criteria: Invitae Variant Classification Sherloc (09022015). Collection method: clinical testing. Allele origin: germline.
Comment: In summary, the available evidence is currently insufficient to determine the role of this variant in disease. Therefore, it has been classified as a Variant of Uncertain Significance. Experimental studies and prediction algorithms are not available or were not evaluated, and the functional significance of this variant is currently unknown. This variant has not been reported in the literature in individuals with RECQL4-related conditions. This variant is not present in population databases (ExAC no frequency). This sequence change replaces valine with glycine at codon 440 of the RECQL4 protein (p.Val440Gly). The valine residue is weakly conserved and there is a moderate physicochemical difference between valine and glycine.